The following is an entry in ClinVar:

NM_004519.4(KCNQ3):c.1888C>A (p.Gln630Lys)

Gene: KCNQ3 (potassium voltage-gated channel subfamily Q member 3; minus strand). Cytogenetic location: 8q24.22.
Variant type: single nucleotide variant.
Coding change: c.1888C>A on transcript NM_004519.4 (MANE Select); coding-DNA position 1888, C replaced by A.
Protein change: p.Gln630Lys; replaces glutamine 630 with lysine.
Molecular consequence: missense variant.
Genome position (GRCh38, 1-based): chr8:132,129,993, G>T on the plus strand (C>A on the coding strand, the complement: KCNQ3 is on the minus strand). VCF-style: chr8-132129993-G-T. GRCh37 (hg19) VCF-style: chr8-133142240-G-T.
Other names: c.1528C>A, p.Gln510Lys (NM_001204824.2); short protein forms Q510K, Q630K.
Identifiers: ClinVar variation 838296 (VCV000838296.11), dbSNP rs1466449283, ClinGen allele CA372217415.

ClinVar aggregate classification (germline): Uncertain significance (1 of 4 stars; one submission).

Conditions:
Benign neonatal seizures. Also called: Benign familial neonatal epilepsy; Convulsions benign familial neonatal dominant form; Autosomal dominant form of benign neonatal seizures; Benign neonatal familial convulsions; Benign familial neonatal seizures. Identifiers: MONDO:0016027, Orphanet 1949, MedGen C0220669.

Allele frequency attached by ClinVar (database versions not stated): gnomAD exomes below 0.00001; TOPMed below 0.00001.
gnomAD v4.1: 1 of 1,613,162 alleles (0.000062%); highest among the groups gnomAD compares: Admixed American, 0.0017%; no homozygotes.

Submission:

Labcorp Genetics (formerly Invitae), Labcorp
Classification: Uncertain significance for Benign neonatal seizures. Last evaluated: 2022-06-04. Review status: criteria provided, single submitter. Criteria: Invitae Variant Classification Sherloc (09022015). Collection method: clinical testing. Allele origin: germline.
Comment: ClinVar contains an entry for this variant (Variation ID: 838296). This sequence change replaces glutamine, which is neutral and polar, with lysine, which is basic and polar, at codon 630 of the KCNQ3 protein (p.Gln630Lys). This variant is present in population databases (no rsID available, gnomAD 0.003%). This variant has not been reported in the literature in individuals affected with KCNQ3-related conditions. Advanced modeling of protein sequence and biophysical properties (such as structural, functional, and spatial information, amino acid conservation, physicochemical variation, residue mobility, and thermodynamic stability) performed at Invitae indicates that this missense variant is not expected to disrupt KCNQ3 protein function. Algorithms developed to predict the effect of sequence changes on RNA splicing suggest that this variant may create or strengthen a splice site. In summary, the available evidence is currently insufficient to determine the role of this variant in disease. Therefore, it has been classified as a Variant of Uncertain Significance.